The following is an entry in ClinVar:

ClinVar aggregate classification (germline): Likely benign (1 of 4 stars; one submission).

Submission:

GeneDx
Classification: Likely benign. Last evaluated: 2015-12-02. Review status: criteria provided, single submitter. Criteria: GeneDx Variant Classification (06012015). Collection method: clinical testing. Allele origin: germline. Affected: yes.
Comment: This variant is considered likely benign or benign based on one or more of the following criteria: it is a conservative change, it occurs at a poorly conserved position in the protein, it is predicted to be benign by multiple in silico algorithms, and/or has population frequency not consistent with disease.

NM_003238.6(TGFB2):c.870A>G (p.Arg290=)

Gene: TGFB2 (transforming growth factor beta 2; plus strand). Cytogenetic location: 1q41.
Variant type: single nucleotide variant.
Coding change: c.870A>G on transcript NM_003238.6 (MANE Select); coding-DNA position 870, A replaced by G.
Protein change: p.Arg290=; no amino-acid change (arginine 290 retained).
Molecular consequence: synonymous variant. On other transcripts: non-coding transcript variant (2).
Genome position (GRCh38, 1-based): chr1:218,436,085, A>G. VCF-style: chr1-218436085-A-G. GRCh37 (hg19) VCF-style: chr1-218609427-A-G.
Other names: c.954A>G, p.Arg318= (NM_001135599.4).
Identifiers: ClinVar variation 381902 (VCV000381902.1), dbSNP rs1057521201, ClinGen allele CA16603536.